The following is an entry in ClinVar:

ClinVar aggregate classification (germline): Uncertain significance (1 of 4 stars; one submission).

Conditions:
Cohen syndrome (COH1). Also called: Cutis verticis gyrata, retinitis pigmentosa, and sensorineural deafness; PEPPER SYNDROME. Identifiers: Orphanet 193, MedGen C0265223, MONDO:0008999, OMIM 216550.

Submission:

Labcorp Genetics (formerly Invitae), Labcorp
Classification: Uncertain significance for Cohen syndrome. Last evaluated: 2023-01-15. Review status: criteria provided, single submitter. Criteria: Invitae Variant Classification Sherloc (09022015). Collection method: clinical testing. Allele origin: germline.
Comment: In summary, the available evidence is currently insufficient to determine the role of this variant in disease. Therefore, it has been classified as a Variant of Uncertain Significance. Algorithms developed to predict the effect of missense changes on protein structure and function are either unavailable or do not agree on the potential impact of this missense change (SIFT: "Not Available"; PolyPhen-2: "Possibly Damaging"; Align-GVGD: "Not Available"). This variant has not been reported in the literature in individuals affected with VPS13B-related conditions. This variant is not present in population databases (gnomAD no frequency). This sequence change replaces proline, which is neutral and non-polar, with arginine, which is basic and polar, at codon 3977 of the VPS13B protein (p.Pro3977Arg).

NM_152564.5(VPS13B):c.11855C>G (p.Pro3952Arg)

Gene: VPS13B (vacuolar protein sorting 13 homolog B; plus strand). Cytogenetic location: 8q22.2.
Variant type: single nucleotide variant.
Coding change: c.11855C>G on transcript NM_152564.5 (MANE Select); coding-DNA position 11855, C replaced by G.
Protein change: p.Pro3952Arg; replaces proline 3952 with arginine.
Molecular consequence: missense variant.
Genome position (GRCh38, 1-based): chr8:99,875,527, C>G. VCF-style: chr8-99875527-C-G. GRCh37 (hg19) VCF-style: chr8-100887755-C-G.
Other names: c.11930C>G, p.Pro3977Arg (NM_017890.5); short protein forms P3952R, P3977R.
Identifiers: ClinVar variation 3021648 (VCV003021648.3), dbSNP rs2492411800, ClinGen allele CA371795768.
Genomic context (GRCh38, chr8:99,875,527, plus strand): 5'-TGGACTACATCACAAAGACATCTTGTCACCTGGCCCCCAGCTGTTCTTCCATGCAAATAC[C>G]ATGCCCTGTGGTGGCTGCAGAACCTCCCCCCTCCACTGTTAAAACATACCATTACCTGGT-3'
Protein context (NP_689777.3, residues 3942-3962): LAPSCSSMQI[Pro3952Arg]CPVVAAEPPP